The following is an entry in ClinVar:

ClinVar aggregate classification (germline): Uncertain significance. Review status: criteria provided, multiple submitters, no conflicts (2 of 4 stars). 2 submissions from 2 submitters: Uncertain significance (2). Last evaluated 2024-03-22.

Submissions (2):

GeneDx
Classification: Uncertain significance. Last evaluated: 2024-03-22. Review status: criteria provided, single submitter. Criteria: GeneDx Variant Classification Process June 2021. Collection method: clinical testing. Allele origin: germline. Affected: yes.
Comment: Not observed at significant frequency in large population cohorts (gnomAD); In silico analysis supports that this missense variant does not alter protein structure/function; Has not been previously published as pathogenic or benign to our knowledge

Blueprint Genetics
Classification: Uncertain significance. Last evaluated: 2019-09-06. Review status: criteria provided, single submitter. Criteria: ACMG Guidelines, 2015. Collection method: clinical testing. Allele origin: germline.

NM_001039213.4(CEACAM16):c.582G>C (p.Glu194Asp)

Genes: CEACAM16 (CEA cell adhesion molecule 16, tectorial membrane component; plus strand), CEACAM16-AS1 (CEACAM16, CEACAM19 and PVR antisense RNA 1; minus strand). Cytogenetic location: 19q13.32.
Variant type: single nucleotide variant.
Coding change: c.582G>C on transcript NM_001039213.4 (MANE Select); coding-DNA position 582, G replaced by C.
Protein change: p.Glu194Asp; replaces glutamic acid 194 with aspartic acid.
Molecular consequence: missense variant.
Genome position (GRCh38, 1-based): chr19:44,704,217, G>C. VCF-style: chr19-44704217-G-C. GRCh37 (hg19) VCF-style: chr19-45207487-G-C.
Other names: short protein forms E194D.
Identifiers: ClinVar variation 3371178 (VCV003371178.2).